The following is an entry in ClinVar:

ClinVar aggregate classification (germline): Conflicting classifications of pathogenicity. Review status: criteria provided, conflicting classifications (1 of 4 stars). 4 submissions from 4 submitters: Uncertain significance (3); Likely benign (1). Last evaluated 2025-08-26.

Conditions:
AXIN2-related disorder.
Hereditary cancer-predisposing syndrome. Also called: Neoplastic Syndromes, Hereditary; Hereditary Cancer Syndrome; Tumor predisposition; Hereditary neoplastic syndrome. Identifiers: Orphanet 140162, MedGen C0027672, MeSH D009386, MONDO:0015356.
Oligodontia-cancer predisposition syndrome. Also called: TOOTH AGENESIS-COLORECTAL CANCER SYNDROME. Identifiers: Orphanet 300576, MedGen C1837750, MONDO:0012075, OMIM 608615. Disease mechanism: loss of function.

Allele frequency attached by ClinVar (database versions not stated): gnomAD below 0.00001 and 0.00001; gnomAD exomes 0.00004; ExAC 0.00006.
gnomAD v4.1: 23 of 1,601,262 alleles (0.0014%); highest among the groups gnomAD compares: South Asian, 0.026%; no homozygotes.

Submissions (4):

PreventionGenetics, part of Exact Sciences
Classification: Uncertain significance for AXIN2-related condition. Last evaluated: 2025-08-26. Review status: criteria provided, single submitter. Criteria: ACMG Guidelines, 2015. Collection method: clinical testing. Allele origin: germline.
Comment: The AXIN2 c.830G>A variant is predicted to result in the amino acid substitution p.Ser277Asn. To our knowledge, this variant has not been reported in the literature. This variant is reported in 0.033% of alleles in individuals of South Asian descent in gnomAD. Although we suspect that this variant may be benign, at this time, the clinical significance of this variant is uncertain due to the absence of conclusive functional and genetic evidence.

Center for Genomic Medicine, Rigshospitalet, Copenhagen University Hospital
Classification: Uncertain significance. Last evaluated: 2025-03-04. Review status: criteria provided, single submitter. Criteria: ACMG Guidelines, 2015. Collection method: clinical testing. Allele origin: germline.

Labcorp Genetics (formerly Invitae), Labcorp
Classification: Uncertain significance for Oligodontia-cancer predisposition syndrome. Last evaluated: 2024-12-23. Review status: criteria provided, single submitter. Criteria: Invitae Variant Classification Sherloc (09022015). Collection method: clinical testing. Allele origin: germline.
Comment: This sequence change replaces serine, which is neutral and polar, with asparagine, which is neutral and polar, at codon 277 of the AXIN2 protein (p.Ser277Asn). This variant is present in population databases (rs763027598, gnomAD 0.03%). This variant has not been reported in the literature in individuals affected with AXIN2-related conditions. ClinVar contains an entry for this variant (Variation ID: 857477). An algorithm developed to predict the effect of missense changes on protein structure and function outputs the following: PolyPhen-2: "Benign". The asparagine amino acid residue is found in multiple mammalian species, which suggests that this missense change does not adversely affect protein function. In summary, the available evidence is currently insufficient to determine the role of this variant in disease. Therefore, it has been classified as a Variant of Uncertain Significance.

Ambry Genetics
Classification: Likely benign for Hereditary cancer-predisposing syndrome. Last evaluated: 2024-02-16. Review status: criteria provided, single submitter. Criteria: Ambry Variant Classification Scheme 2023. Collection method: clinical testing. Allele origin: germline.

NM_004655.4(AXIN2):c.830G>A (p.Ser277Asn)

Gene: AXIN2 (axin 2; minus strand). Cytogenetic location: 17q24.1.
Variant type: single nucleotide variant.
Coding change: c.830G>A on transcript NM_004655.4 (MANE Select); coding-DNA position 830, G replaced by A.
Protein change: p.Ser277Asn; replaces serine 277 with asparagine.
Molecular consequence: missense variant.
Genome position (GRCh38, 1-based): chr17:65,549,646, C>T on the plus strand (G>A on the coding strand, the complement: AXIN2 is on the minus strand). VCF-style: chr17-65549646-C-T. GRCh37 (hg19) VCF-style: chr17-63545764-C-T.
Other names: c.830G>A, p.Ser277Asn (NM_001363813.1); short protein forms S277N.
Identifiers: ClinVar variation 857477 (VCV000857477.16), dbSNP rs763027598, ClinGen allele CA8718966.